The following is an entry in ClinVar:

ClinVar aggregate classification (germline): Uncertain significance. Review status: criteria provided, single submitter (1 of 4 stars). 2 submissions from 2 submitters: Uncertain significance (1). 1 of the submissions does not count toward it.

Conditions:
Maturity-onset diabetes of the young (MODY). Also called: Maturity onset diabetes mellitus in young. Identifiers: Orphanet 552, MedGen C0342276, MONDO:0018911, HP:0004904.
Diabetes mellitus, transient neonatal, 3 (TNDM3). Identifiers: Orphanet 99886, MedGen C1864623, MONDO:0012522, OMIM 610582. Disease mechanism: loss of function.
Hyperinsulinemic hypoglycemia, familial, 2. Also called: HYPERINSULINEMIC HYPOGLYCEMIA, PERSISTENT; HYPERINSULINISM, NEONATAL. Identifiers: Orphanet 276580, Orphanet 276603, MedGen C2931833, MONDO:0011153, OMIM 601820. Disease mechanism: loss of function.
Permanent neonatal diabetes mellitus 1. Also called: GCK-Related Permanent Neonatal Diabetes Mellitus. Identifiers: MedGen C5393570, MONDO:0100165, OMIM 606176.

Submissions (2):

Clinical Genomics, Uppaluri K&H Personalized Medicine Clinic
Classification: Uncertain significance for Maturity-onset diabetes of the young. Review status: criteria provided, single submitter. Criteria: K&H Uppaluri Personalized Medicine Clinic Variant Classification & Assertion Criteria. Collection method: research. Allele origin: somatic. Inheritance: Autosomal dominant inheritance.
Comment: Mutations in KCNJ11 gene can cause decreased production and secretion of insulin. This can lead to MODY which may be responsive to oral sulfonylureas. It is also associated with Neonatal Diabetes. However, no sufficient evidence is found to ascertain the role of rs1554901829 variant in Diabetes Mellitus yet.

Counsyl
Classification: Likely pathogenic for Hyperinsulinemic hypoglycemia, familial, 2; Permanent neonatal diabetes mellitus 1; Diabetes mellitus, transient neonatal, 3. Last evaluated: 2018-01-10. Review status: no assertion criteria provided. Collection method: clinical testing. Allele origin: unknown. Not counted in ClinVar's aggregate classification.

Literature cited by the submitters: PubMed 26448950 (cited by Clinical Genomics, Uppaluri K&H Personalized Medicine Clinic); PubMed 15580558 (cited by Clinical Genomics, Uppaluri K&H Personalized Medicine Clinic); PubMed 15718250 (cited by Clinical Genomics, Uppaluri K&H Personalized Medicine Clinic).

NM_000525.4(KCNJ11):c.363_366del (p.Leu122fs)

Gene: KCNJ11 (potassium inwardly rectifying channel subfamily J member 11; minus strand). Cytogenetic location: 11p15.1.
Variant type: Microsatellite.
Coding change: c.363_366del on transcript NM_000525.4 (MANE Select); coding-DNA positions 363 to 366, 4 bases deleted (CCTT; older notation c.363_366delCCTT).
Protein change: p.Leu122fs; shifts the reading frame from leucine 122.
Molecular consequence: frameshift variant.
Genome position (GRCh38, 1-based): chr11:17,387,726-17,387,729, AAGG deleted on the plus strand (CCTT on the coding strand, the reverse complement: KCNJ11 is on the minus strand); deleting any 4 consecutive bases within chr11:17,387,726-17,387,733 gives the same sequence; the c. name uses the placement nearest the transcript's 3' end. VCF-style (leftmost placement, unchanged base first): chr11-17387725-AAAGG-A. GRCh37 (hg19) VCF-style: chr11-17409272-AAAGG-A.
Other names: c.363_366delCCTT (NM_000525.3); c.102_105del, p.Leu35fs (NM_001166290.2, NM_001377296.1, NM_001377297.1); short protein forms L35fs, L122fs.
Identifiers: ClinVar variation 556063 (VCV000556063.3), dbSNP rs1554901829, ClinGen allele CA658822455.